The following is an entry in ClinVar:

NM_031407.7(HUWE1):c.11525C>T (p.Pro3842Leu)

Gene: HUWE1 (HECT, UBA and WWE domain containing E3 ubiquitin protein ligase 1; minus strand). Cytogenetic location: Xp11.22.
Variant type: single nucleotide variant.
Coding change: c.11525C>T on transcript NM_031407.7 (MANE Select); coding-DNA position 11525, C replaced by T.
Protein change: p.Pro3842Leu; replaces proline 3842 with leucine.
Molecular consequence: missense variant.
Genome position (GRCh38, 1-based): chrX:53,539,764, G>A on the plus strand (C>T on the coding strand, the complement: HUWE1 is on the minus strand). VCF-style: chrX-53539764-G-A. GRCh37 (hg19) VCF-style: chrX-53566725-G-A.
Other names: c.11525C>T (NM_031407.6); short protein forms P3842L.
Identifiers: ClinVar variation 3618482 (VCV003618482.3).

ClinVar aggregate classification (germline): Uncertain significance. Review status: criteria provided, multiple submitters, no conflicts (2 of 4 stars). 2 submissions from 2 submitters: Uncertain significance (2). Last evaluated 2024-12-18.

Conditions:
HUWE1-related disorder. Also called: HUWE1-related condition.

gnomAD v4.1: 3 of 1,209,751 alleles (0.00025%); highest among the groups gnomAD compares: African/African-American, 0.0035%; no homozygotes.

Submissions (2):

PreventionGenetics, part of Exact Sciences
Classification: Uncertain significance for HUWE1-related condition. Last evaluated: 2024-12-18. Review status: criteria provided, single submitter. Criteria: ACMG Guidelines, 2015. Collection method: clinical testing. Allele origin: germline.
Comment: The HUWE1 c.11525C>T variant is predicted to result in the amino acid substitution p.Pro3842Leu. To our knowledge, this variant has not been reported in the literature or in a large population database (gnomAD), indicating this variant is rare. At this time, the clinical significance of this variant is uncertain due to the absence of conclusive functional and genetic evidence.

Labcorp Genetics (formerly Invitae), Labcorp
Classification: Uncertain significance. Last evaluated: 2024-12-02. Review status: criteria provided, single submitter. Criteria: Invitae Variant Classification Sherloc (09022015). Collection method: clinical testing. Allele origin: germline.
Comment: This sequence change replaces proline, which is neutral and non-polar, with leucine, which is neutral and non-polar, at codon 3842 of the HUWE1 protein (p.Pro3842Leu). This variant is not present in population databases (gnomAD no frequency). This variant has not been reported in the literature in individuals affected with HUWE1-related conditions. Invitae Evidence Modeling of protein sequence and biophysical properties (such as structural, functional, and spatial information, amino acid conservation, physicochemical variation, residue mobility, and thermodynamic stability) has been performed for this missense variant. However, the output from this modeling did not meet the statistical confidence thresholds required to predict the impact of this variant on HUWE1 protein function. In summary, the available evidence is currently insufficient to determine the role of this variant in disease. Therefore, it has been classified as a Variant of Uncertain Significance.